The following is an entry in ClinVar:

ClinVar aggregate classification (germline): Uncertain significance (1 of 4 stars; one submission).

Conditions:
Inborn genetic diseases. Identifiers: MedGen C0950123, MeSH D030342.

gnomAD v4.1: 1 of 1,614,144 alleles (0.000062%); highest among the groups gnomAD compares: South Asian, 0.0011%; no homozygotes.

Submission:

Ambry Genetics
Classification: Uncertain significance for Inborn genetic diseases. Last evaluated: 2025-07-22. Review status: criteria provided, single submitter. Criteria: Ambry Variant Classification Scheme 2023. Collection method: clinical testing. Allele origin: germline.
Comment: The p.S631P variant (also known as c.1891T>C), located in coding exon 18 of the ANKRD26 gene, results from a T to C substitution at nucleotide position 1891. The serine at codon 631 is replaced by proline, an amino acid with similar properties. This amino acid position is conserved. In addition, this alteration is predicted to be tolerated by in silico analysis. Based on the available evidence, the clinical significance of this variant remains unclear.

NM_014915.3(ANKRD26):c.1891T>C (p.Ser631Pro)

Gene: ANKRD26 (ankyrin repeat domain containing 26; minus strand). Cytogenetic location: 10p12.1.
Variant type: single nucleotide variant.
Coding change: c.1891T>C on transcript NM_014915.3 (MANE Select); coding-DNA position 1891, T replaced by C.
Protein change: p.Ser631Pro; replaces serine 631 with proline.
Molecular consequence: missense variant.
Genome position (GRCh38, 1-based): chr10:27,046,447, A>G on the plus strand (T>C on the coding strand, the complement: ANKRD26 is on the minus strand). VCF-style: chr10-27046447-A-G. GRCh37 (hg19) VCF-style: chr10-27335376-A-G.
Other names: c.1888T>C, p.Ser630Pro (NM_001256053.2); short protein forms S631P, S630P.
Identifiers: ClinVar variation 4103666 (VCV004103666.1).
Genomic context (GRCh38, chr10:27,046,447, plus strand): 5'-TGTCATCATCCACTTGTAGCAGGCCACCAGTTAGTAAACTGGCCTTCCCAAACACTGGTG[A>G]ATTCACAGATTCTTTCGAGGTCCGTTTTTCTTTTTCAGTGCTCTTTACTTCCTTCATTTG-3'
Protein context (NP_055730.2, residues 621-641): EKRTSKESVN[Ser631Pro]PVFGKASLLT